The following is an entry in ClinVar:

NM_000245.4(MET):c.-2T>G

Gene: MET (MET proto-oncogene, receptor tyrosine kinase; plus strand). Cytogenetic location: 7q31.2.
Variant type: single nucleotide variant.
Coding change: c.-2T>G on transcript NM_000245.4 (MANE Select); 2 bases upstream of the start codon, T replaced by G.
Molecular consequence: 5 prime UTR variant. On other transcripts: intron variant (1).
Genome position (GRCh38, 1-based): chr7:116,699,083, T>G. VCF-style: chr7-116699083-T-G. GRCh37 (hg19) VCF-style: chr7-116339137-T-G.
Other names: c.-2T>G (NM_001127500.3, NM_001324401.3); c.-91+26506T>G (NM_001324402.2).
Identifiers: ClinVar variation 4106716 (VCV004106716.1).
Genomic context (GRCh38, chr7:116,699,083, plus strand): 5'-TTCATTTCTGACAACTGAACTGCTCTCGCCTTGAACCTGTTTTGGCAGATAAACCTCTCA[T>G]AATGAAGGCCCCCGCTGTGCTTGCACCTGGCATCCTCGTGCTCCTGTTTACCTTGGTGCA-3'

ClinVar aggregate classification (germline): Uncertain significance (1 of 4 stars; one submission).

Conditions:
Hereditary cancer-predisposing syndrome. Also called: Tumor predisposition; Neoplastic Syndromes, Hereditary; Hereditary neoplastic syndrome; Hereditary Cancer Syndrome. Identifiers: Orphanet 140162, MedGen C0027672, MeSH D009386, MONDO:0015356.

Submission:

Ambry Genetics
Classification: Uncertain significance for Hereditary cancer-predisposing syndrome. Last evaluated: 2025-08-01. Review status: criteria provided, single submitter. Criteria: Ambry Variant Classification Scheme 2023. Collection method: clinical testing. Allele origin: germline.
Comment: The c.-2T>G variant is located in the 5' untranslated region (5&rsquo; UTR) of the MET gene. This variant results from a T to G substitution 2 bases upstream from the first translated codon. This nucleotide position is poorly conserved in available vertebrate species. Based on the available evidence, the clinical significance of this variant remains unclear.